The following is an entry in ClinVar:

NM_014844.5(TECPR2):c.1235C>T (p.Ser412Leu)

Gene: TECPR2 (tectonin beta-propeller repeat containing 2; plus strand). Cytogenetic location: 14q32.31.
Variant type: single nucleotide variant.
Coding change: c.1235C>T on transcript NM_014844.5 (MANE Select); coding-DNA position 1235, C replaced by T.
Protein change: p.Ser412Leu; replaces serine 412 with leucine.
Molecular consequence: missense variant.
Genome position (GRCh38, 1-based): chr14:102,431,946, C>T. VCF-style: chr14-102431946-C-T. GRCh37 (hg19) VCF-style: chr14-102898283-C-T.
Other names: c.1235C>T, p.Ser412Leu (NM_001172631.3); short protein forms S412L.
Identifiers: ClinVar variation 839227 (VCV000839227.9), dbSNP rs367895391, ClinGen allele CA7357672.

ClinVar aggregate classification (germline): Uncertain significance. Review status: criteria provided, single submitter (1 of 4 stars). 2 submissions from 2 submitters: Uncertain significance (1). 1 of the submissions does not count toward it. Last evaluated 2022-10-17.

Conditions:
Hereditary spastic paraplegia 49 (HSAN9). Also called: NEUROPATHY, HEREDITARY SENSORY AND AUTONOMIC, TYPE IX, WITH DEVELOPMENTAL DELAY; Spastic paraplegia 49, autosomal recessive; TECPR2-Related Hereditary Sensory and Autonomic Neuropathy with Intellectual Disability. Identifiers: Orphanet 320385, MedGen C5190860, MONDO:0014016, OMIM 615031.

Allele frequency attached by ClinVar (database versions not stated): gnomAD exomes 0.00001 and 0.00003; ExAC 0.00002; ESP Exome Variant Server 0.00008.
gnomAD v4.1: 41 of 1,612,792 alleles (0.0025%); highest among the groups gnomAD compares: South Asian, 0.0033%; no homozygotes.

Submissions (2):

Labcorp Genetics (formerly Invitae), Labcorp
Classification: Uncertain significance for Hereditary spastic paraplegia 49. Last evaluated: 2022-10-17. Review status: criteria provided, single submitter. Criteria: Invitae Variant Classification Sherloc (09022015). Collection method: clinical testing. Allele origin: germline.
Comment: This sequence change replaces serine, which is neutral and polar, with leucine, which is neutral and non-polar, at codon 412 of the TECPR2 protein (p.Ser412Leu). This variant is present in population databases (rs367895391, gnomAD 0.003%). This variant has not been reported in the literature in individuals affected with TECPR2-related conditions. ClinVar contains an entry for this variant (Variation ID: 839227). Algorithms developed to predict the effect of missense changes on protein structure and function are either unavailable or do not agree on the potential impact of this missense change (SIFT: "Tolerated"; PolyPhen-2: "Probably Damaging"; Align-GVGD: "Class C0"). In summary, the available evidence is currently insufficient to determine the role of this variant in disease. Therefore, it has been classified as a Variant of Uncertain Significance.

Natera, Inc.
Classification: Uncertain significance for Autosomal recessive spastic paraplegia type 49. Last evaluated: 2020-03-25. Review status: no assertion criteria provided. Collection method: clinical testing. Allele origin: germline. Not counted in ClinVar's aggregate classification.